The following is an entry in ClinVar:

ClinVar aggregate classification (germline): Uncertain significance (1 of 4 stars; one submission).

Conditions:
Neuropathy, hereditary sensory and autonomic, type 2A (HSAN2A). Also called: ACROOSTEOLYSIS, GIACCAI TYPE; ACROOSTEOLYSIS, NEUROGENIC; MORVAN DISEASE; NEUROPATHY, CONGENITAL SENSORY; NEUROPATHY, HEREDITARY SENSORY RADICULAR, AUTOSOMAL RECESSIVE; NEUROPATHY, HEREDITARY SENSORY, TYPE IIA. Identifiers: Orphanet 970, MedGen C2752089, MONDO:0024309, OMIM 201300.
Pseudohypoaldosteronism type 2C (PHA2C). Also called: Pseudohypoaldosteronism Type IIC. Identifiers: Orphanet 757, Orphanet 88940, MedGen C1840391, MONDO:0013778, OMIM 614492.

Submission:

Labcorp Genetics (formerly Invitae), Labcorp
Classification: Uncertain significance for Neuropathy, hereditary sensory and autonomic, type 2A; Pseudohypoaldosteronism type 2C. Last evaluated: 2022-08-24. Review status: criteria provided, single submitter. Criteria: Invitae Variant Classification Sherloc (09022015). Collection method: clinical testing. Allele origin: germline.
Comment: This sequence change replaces threonine, which is neutral and polar, with serine, which is neutral and polar, at codon 2100 of the WNK1 protein (p.Thr2100Ser). This variant is not present in population databases (gnomAD no frequency). This variant has not been reported in the literature in individuals affected with WNK1-related conditions. Advanced modeling of protein sequence and biophysical properties (such as structural, functional, and spatial information, amino acid conservation, physicochemical variation, residue mobility, and thermodynamic stability) performed at Invitae indicates that this missense variant is not expected to disrupt WNK1 protein function. In summary, the available evidence is currently insufficient to determine the role of this variant in disease. Therefore, it has been classified as a Variant of Uncertain Significance.

NM_018979.4(WNK1):c.5543C>G (p.Thr1848Ser)

Gene: WNK1 (WNK lysine deficient protein kinase 1; plus strand). Cytogenetic location: 12p13.33.
Variant type: single nucleotide variant.
Coding change: c.5543C>G on transcript NM_018979.4 (MANE Select); coding-DNA position 5543, C replaced by G.
Protein change: p.Thr1848Ser; replaces threonine 1848 with serine.
Molecular consequence: missense variant.
Genome position (GRCh38, 1-based): chr12:894,595, C>G. VCF-style: chr12-894595-C-G. GRCh37 (hg19) VCF-style: chr12-1003761-C-G.
Other names: c.6323C>G, p.Thr2108Ser (NM_001184985.2); c.4799C>G, p.Thr1600Ser (NM_014823.3); c.6299C>G, p.Thr2100Ser (NM_213655.5); short protein forms T1600S, T1848S, T2108S, T2100S.
Identifiers: ClinVar variation 2121294 (VCV002121294.4), dbSNP rs1954576863, ClinGen allele CA383334213.
Genomic context (GRCh38, chr12:894,595, plus strand): 5'-TTTTCCTCATCCATGTATTTGTTTCAGTTTCTCAAGTCAAAGAAGGCCCTGTCCTAGCAA[C>G]TAGTTCAGGAGCTGGTGTTTTTAAGATGGGACGATTTCAGGTAAGACAGTCACTTTGTGT-3'
Protein context (NP_061852.3, residues 1838-1858): SQVKEGPVLA[Thr1848Ser]SSGAGVFKMG